The following is an entry in ClinVar:

NM_000429.3(MAT1A):c.720C>T (p.Thr240=)

Gene: MAT1A (methionine adenosyltransferase 1A; minus strand). Cytogenetic location: 10q22.3.
Variant type: single nucleotide variant.
Coding change: c.720C>T on transcript NM_000429.3 (MANE Select); coding-DNA position 720, C replaced by T.
Protein change: p.Thr240=; no amino-acid change (threonine 240 retained).
Molecular consequence: synonymous variant.
Genome position (GRCh38, 1-based): chr10:80,276,424, G>A on the plus strand (C>T on the coding strand, the complement: MAT1A is on the minus strand). VCF-style: chr10-80276424-G-A. GRCh37 (hg19) VCF-style: chr10-82036180-G-A.
Identifiers: ClinVar variation 2168765 (VCV002168765.9), dbSNP rs746592321, ClinGen allele CA5576727.

ClinVar aggregate classification (germline): Likely benign. Review status: criteria provided, multiple submitters, no conflicts (2 of 4 stars). 2 submissions from 2 submitters: Likely benign (2). Last evaluated 2025-12-01.

Conditions:
Hepatic methionine adenosyltransferase deficiency. Also called: MAT I/III DEFICIENCY; Methionine adenosyltransferase deficiency; Deficiency of methionine adenosyltransferase; Isolated Persistent Hypermethioninemia. Identifiers: Orphanet 168598, MedGen C0268621, MeSH C564683, MONDO:0009607, OMIM 250850.

Allele frequency attached by ClinVar (database versions not stated): ExAC 0.00001; gnomAD exomes 0.00001; gnomAD 0.00002; TOPMed 0.00003.
gnomAD v4.1: 18 of 1,614,036 alleles (0.0011%); highest among the groups gnomAD compares: East Asian, 0.0022%; no homozygotes.

Submissions (2):

CeGaT Center for Human Genetics Tuebingen
Classification: Likely benign. Last evaluated: 2025-12-01. Review status: criteria provided, single submitter. Criteria: CeGaT Center For Human Genetics Tuebingen Variant Classification Criteria Version 2. Collection method: clinical testing. Allele origin: germline. Affected: yes. Observed: 1 variant allele.
Comment: MAT1A: BP4, BP7

Labcorp Genetics (formerly Invitae), Labcorp
Classification: Likely benign for Hepatic methionine adenosyltransferase deficiency. Last evaluated: 2025-09-30. Review status: criteria provided, single submitter. Criteria: Invitae Variant Classification Sherloc (09022015). Collection method: clinical testing. Allele origin: germline.